The following is an entry in ClinVar:

NM_001421.4(ELF4):c.710G>C (p.Gly237Ala)

Gene: ELF4 (E74 like ETS transcription factor 4; minus strand). Cytogenetic location: Xq26.1.
Variant type: single nucleotide variant.
Coding change: c.710G>C on transcript NM_001421.4 (MANE Select); coding-DNA position 710, G replaced by C.
Protein change: p.Gly237Ala; replaces glycine 237 with alanine.
Molecular consequence: missense variant.
Genome position (GRCh38, 1-based): chrX:130,071,139, C>G on the plus strand (G>C on the coding strand, the complement: ELF4 is on the minus strand). VCF-style: chrX-130071139-C-G. GRCh37 (hg19) VCF-style: chrX-129205114-C-G.
Other names: c.710G>C, p.Gly237Ala (NM_001127197.2, NM_001440765.1, NM_001440766.1); short protein forms G237A.
Identifiers: ClinVar variation 4846787 (VCV004846787.1).

ClinVar aggregate classification (germline): Uncertain significance (1 of 4 stars; one submission).

Conditions:
Autoinflammatory syndrome, familial, X-linked, Behcet-like 2. Also called: DEFICIENCY IN ELF4, X-LINKED. Identifiers: Orphanet 676125, MedGen C5575495, MONDO:0024770, OMIM 301074.

Submission:

Laboratorio de Genetica e Diagnostico Molecular, Hospital Israelita Albert Einstein
Classification: Uncertain significance for Autoinflammatory syndrome, familial, X-linked, Behcet-like 2. Last evaluated: 2025-10-27. Review status: criteria provided, single submitter. Criteria: ACMG Guidelines, 2015. Collection method: clinical testing. Allele origin: germline. Affected: yes.
Comment: ACMG classification criteria: PM2 supporting, PP3 supporting